The following is an entry in ClinVar:

ClinVar aggregate classification (germline): Pathogenic. Review status: reviewed by expert panel (3 of 4 stars). 13 submissions from 13 submitters: Pathogenic (1). 12 of the submissions do not count toward it. Last evaluated 2026-02-13.

Conditions:
SGCG-related disorder. Also called: SGCG-related condition.
Autosomal recessive limb-girdle muscular dystrophy type 2C (LGMDR5). Also called: MUSCULAR DYSTROPHY, LIMB-GIRDLE, AUTOSOMAL RECESSIVE 5; MUSCULAR DYSTROPHY, DUCHENNE-LIKE. Identifiers: Orphanet 353, MedGen C0410173, MONDO:0009677, OMIM 253700. Disease mechanism: Affects gamma-sarcoglycan and also disrupts the integrity of the entire sarcoglycan complex..

Submissions (13):

ClinGen Limb Girdle Muscular Dystrophy Variant Curation Expert Panel, ClinGen
Classification: Pathogenic for Autosomal recessive limb-girdle muscular dystrophy type 2C. Last evaluated: 2026-02-13. Review status: reviewed by expert panel. Criteria: ClinGen LGMD VCEP ACMG Specifications SGCG V2.0.0. Collection method: curation. Allele origin: germline. Inheritance: Autosomal recessive inheritance.
Comment: The NM_000231.3: c.195+4_195+7del variant in SGCG is a four-base deletion located within the extended splice donor region of intron 2 that has also been reported as c.195+2_5del. SpliceAI gives a delta score of 0.98 for donor loss and predicts the usage of a cryptic donor site located 20 nucleotides from the junction (delta score 0.87) (PP3). Use of the cryptic donor would be expected to result in a frameshift and premature truncation leading to nonsense mediated decay. An RNA study performed on tissue from a patient heterozygous for the variant and a full-gene deletion reported the detection of an amplicon 16 nucleotides longer than the wild type, suggesting usage of the cryptic donor, but the abundance of this product could not be verified (PMID: 11801399; PVS1_RNA not applied). This variant has been detected in at least eight individuals with limb-girdle muscular dystrophy (PMID: 19770540, 27708273, 1180139, 30564623, 11801399; LOVD SGCG_000009; GRASP-LGMD Consortium internal data communication). Of those individuals, two were compound heterozygous for the variant and a second pathogenic variant (full gene deletion and c.195+1G>C, 2.0 pt, PMID: 1180139, 27708273), three were presumed compound heterozygous for the variant and a second pathogenic variant (c.525del, c.452_458del; 1.5 pts, PMID: 30564623,19770540), and another was homozygous for the variant without reported consanguinity (0.5 pts, PMID: 11801399) (PM3_Very strong). At least one patient with this variant and a second presumed diagnostic SGCG variant displayed progressive limb girdle muscle weakness and absent gamma-sarcoglycan protein expression, which is highly specific for SGCG-related LGMD. However, the other sarcoglycan genes were not screened for variants in this individual (PMID: 11801399; PP4). This variant was shown to co-segregate with the LGMD phenotype in one affected family member (PMID: 27708273; PP1). The filtering allele frequency of the variant is 0.000056491 for European (non-Finnish) alleles in gnomAD v4.1.0 (the upper threshold of the 95% CI of 52/1159744), which is lower than the LGMD VCEP threshold (<0.00009) for PM2_Supporting, and therefore meets this criterion. In summary, this variant meets the criteria to be classified as Pathogenic for autosomal recessive limb girdle muscular dystrophy based on the ACMG/AMP criteria applied, as specified by the ClinGen LGMD VCEP (LGMD VCEP specifications version 2.0.0; 02/13/2025): PP3, PM3_Very strong, PP4, PP1, PM2_Supporting.

Natera, Inc.
Classification: Pathogenic for Limb-girdle muscular dystrophy type 2C. Last evaluated: 2025-08-01. Review status: criteria provided, single submitter. Criteria: Natera Variant Classification Schema (03/2026). Collection method: clinical testing. Allele origin: germline. Not counted in ClinVar's aggregate classification.
Comment: The c.195+4_195+7delAGTA variant in SGCG is a frameshift variant predicted to shift the reading frame and introduce a stop codon. This variant is rare in the general population with a frequency below the threshold expected for the associated phenotype(s). This variant has been observed in one or more individuals affected with the associated recessive disease, as either homozygous or compound heterozygous with a second variant (PMID: 11801399, 10993904, 19770540, 33567613). Given the available evidence, this variant is classified as Pathogenic.

Labcorp Genetics (formerly Invitae), Labcorp
Classification: Pathogenic for Autosomal recessive limb-girdle muscular dystrophy type 2C. Last evaluated: 2025-03-08. Review status: criteria provided, single submitter. Criteria: Invitae Variant Classification Sherloc (09022015). Collection method: clinical testing. Allele origin: germline. Not counted in ClinVar's aggregate classification.
Comment: This sequence change falls in intron 2 of the SGCG gene. It does not directly change the encoded amino acid sequence of the SGCG protein. RNA analysis indicates that this variant induces altered splicing and may result in an absent or altered protein product. This variant is present in population databases (rs758531560, gnomAD 0.004%). This variant has been observed in individuals with limb-girdle muscular dystrophy (PMID: 11801399, 17897828, 19770540). This variant is also known as c.195+2_5del. ClinVar contains an entry for this variant (Variation ID: 208611). Variants that disrupt the consensus splice site are a relatively common cause of aberrant splicing (PMID: 17576681, 9536098). Studies have shown that this variant results in a 16-bp intronic insertion, and produces a non-functional protein and/or introduces a premature termination codon (PMID: 11801399). For these reasons, this variant has been classified as Pathogenic.

CeGaT Center for Human Genetics Tuebingen
Classification: Pathogenic. Last evaluated: 2025-03-01. Review status: criteria provided, single submitter. Criteria: CeGaT Center For Human Genetics Tuebingen Variant Classification Criteria Version 2. Collection method: clinical testing. Allele origin: germline. Affected: yes. Observed: 1 variant allele. Not counted in ClinVar's aggregate classification.
Comment: SGCG: PVS1, PM3:Strong, PM2

Fulgent Genetics
Classification: Pathogenic for Autosomal recessive limb-girdle muscular dystrophy type 2C. Last evaluated: 2024-06-07. Review status: criteria provided, single submitter. Criteria: ACMG Guidelines, 2015. Collection method: clinical testing. Allele origin: germline. Not counted in ClinVar's aggregate classification.

Revvity Omics, Revvity
Classification: Pathogenic for Autosomal recessive limb-girdle muscular dystrophy type 2C. Last evaluated: 2024-03-28. Review status: criteria provided, single submitter. Criteria: ACMG Guidelines, 2015. Collection method: clinical testing. Allele origin: germline. Not counted in ClinVar's aggregate classification.

GeneDx
Classification: Pathogenic. Last evaluated: 2023-08-29. Review status: criteria provided, single submitter. Criteria: GeneDx Variant Classification Process June 2021. Collection method: clinical testing. Allele origin: germline. Affected: yes. Not counted in ClinVar's aggregate classification.
Comment: Non-canonical splice site variant demonstrated to result in loss of function due to aberrant splicing leading to the generation of a premature stop codon predicted to result in nonsense mediated decay or protein truncation (Bnnemann et al., 2002); Not observed at significant frequency in large population cohorts (gnomAD); This variant is associated with the following publications: (PMID: 31980526, 31589614, 19781108, 27708273, 17897828, 11801399, 19770540, 30564623)

ARUP Laboratories, Molecular Genetics and Genomics, ARUP Laboratories
Classification: Pathogenic for Autosomal recessive limb-girdle muscular dystrophy type 2C. Last evaluated: 2021-04-23. Review status: criteria provided, single submitter. Criteria: ARUP Molecular Germline Variant Investigation Process 2021. Collection method: clinical testing. Allele origin: germline. Not counted in ClinVar's aggregate classification.
Comment: The SGCG c.195+4_195+7delAGTA variant (rs797045106), also published as del 4-bp intron 2 or 195+2_5del, is reported in the literature in the homozygous or compound heterozygous state in multiple individuals affected with limb-girdle muscular dystrophy or a sarcoglycanopathy (Bonnemann 2002, Khadilkar 2009, Reddy 2017). This variant is found on only three chromosomes (3/282718 alleles) in the Genome Aggregation Database. This is an intronic variant in that deletes four conserved nucleotides, and computational analyses (Alamut v.2.11) predict that this variant may impact splicing by weakening the nearby canonical donor splice site. Consistent with these predictions, RNA studies of patients with this variant demonstrate use of cryptic splice donor site downstream, resulting in a 16 nucleotide insertion that leads to a frameshift (Bonnemann 2002). Based on available information, this variant is considered to be pathogenic. References: Bonnemann et al., Primary gamma-sarcoglycanopathy (LGMD 2C): broadening of the mutational spectrum guided by the immunohistochemical profile. Neuromuscul Disord. 2002 Mar;12(3):273-80. PMID: 11801399. Khadilkar SV et al. Spectrum of mutations in sarcoglycan genes in the Mumbai region of western India: high prevalence of 525del T. Neurol India. 2009 Jul-Aug;57(4):406-10. PMID: 19770540. Reddy et al., The sensitivity of exome sequencing in identifying pathogenic mutations for LGMD in the United States. J Hum Genet. 2017 Feb;62(2):243-252. PMID: 27708273.

Blueprint Genetics
Classification: Pathogenic for SGCG-related disorders. Last evaluated: 2019-11-26. Review status: criteria provided, single submitter. Criteria: ACMG Guidelines, 2015. Collection method: clinical testing. Allele origin: germline. Affected: yes. Observed: 2 variant alleles. Not counted in ClinVar's aggregate classification.

Eurofins Ntd Llc (ga)
Classification: Pathogenic. Last evaluated: 2017-12-20. Review status: criteria provided, single submitter. Criteria: EGL Classification Definitions 2015. Collection method: clinical testing. Allele origin: germline. Observed: 9 variant alleles, 9 heterozygotes. Not counted in ClinVar's aggregate classification.

Athena Diagnostics
Classification: Pathogenic. Last evaluated: 2017-09-20. Review status: criteria provided, single submitter. Criteria: Athena Diagnostics Criteria. Collection method: clinical testing. Allele origin: germline. Not counted in ClinVar's aggregate classification.

Laboratory for Molecular Medicine, Mass General Brigham Personalized Medicine
Classification: Pathogenic for Severe autosomal recessive muscular dystrophy of childhood - North African type. Last evaluated: 2014-12-30. Review status: criteria provided, single submitter. Criteria: LMM Criteria. Collection method: clinical testing. Allele origin: germline. Inheritance: Autosomal recessive inheritance. Observed: 1 variant allele. Study: CSER-MedSeq. Not counted in ClinVar's aggregate classification.
Comment: The c.195+4_195+7del variant in SGCG has been reported in 1 homozygous and 2 compound heterozygous individuals with limb girdle muscular dystrophy type 2C (LGMD2C; Bonnemann 2002). This variant has also been identified in 1/8254 of European American chromosomes by the NHLBI Exome Sequencing Project. Although this variant has been seen in the general population, its frequency is low enough to be consistent with a recessive carrier frequency. This variant is a deletion of 4 nucleotides in the 5' splice region and in vitro functional assays suggest that this variant leads to altered splicing and the inclusion of an additional 16 nucleotides (Bonnemann 2002), which is predicted to lead to an abnormal or absent protein. In summary, this variant meets our criteria to be classified as pathogenic for LGMD2C in an autosomal recessive manner.

Counsyl
Classification: Likely pathogenic for Autosomal recessive limb-girdle muscular dystrophy type 2C. Last evaluated: 2016-11-11. Review status: no assertion criteria provided. Collection method: clinical testing. Allele origin: unknown. Not counted in ClinVar's aggregate classification.

Literature cited by the submitters: PubMed 11801399 (cited by 6 submitters); PubMed 10993904 (cited by Natera, Inc.); PubMed 19770540 (cited by 4 submitters); PubMed 33567613 (cited by Natera, Inc.); PubMed 17897828 (cited by 3 submitters); PubMed 17576681 (cited by Labcorp Genetics (formerly Invitae), Labcorp); PubMed 9536098 (cited by Labcorp Genetics (formerly Invitae), Labcorp); PubMed 27708273 (cited by Athena Diagnostics).

NM_000231.3(SGCG):c.195+4_195+7del

Gene: SGCG (sarcoglycan gamma; plus strand). Cytogenetic location: 13q12.12.
Variant type: Microsatellite.
Coding change: c.195+4_195+7del on transcript NM_000231.3 (MANE Select); bases 4 to 7 of the intron after coding-DNA position 195, 4 bases deleted (AGTA; older notation c.195+4_195+7delAGTA).
Molecular consequence: splice donor variant.
Genome position (GRCh38, 1-based): chr13:23,203,893-23,203,896, AGTA deleted; deleting any 4 consecutive bases within chr13:23,203,889-23,203,896 gives the same sequence; the c. name uses the placement nearest the transcript's 3' end. VCF-style (leftmost placement, unchanged base first): chr13-23203888-CAGTA-C. GRCh37 (hg19) VCF-style: chr13-23778027-CAGTA-C.
Other names: c.249+4_249+7del (NM_001378244.1); c.195+4_195+7del (NM_001378245.1, NM_001378246.1); c.195+4_195+7delAGTA (NM_000231.2).
Identifiers: ClinVar variation 208611 (VCV000208611.47), dbSNP rs797045106, ClinGen allele CA346919.